The following is an entry in ClinVar:

NM_000038.6(APC):c.4124A>G (p.His1375Arg)

Gene: APC (APC regulator of Wnt signaling pathway; plus strand). Cytogenetic location: 5q22.2.
Variant type: single nucleotide variant.
Coding change: c.4124A>G on transcript NM_000038.6 (MANE Select); coding-DNA position 4124, A replaced by G.
Protein change: p.His1375Arg; replaces histidine 1375 with arginine.
Molecular consequence: missense variant.
Genome position (GRCh38, 1-based): chr5:112,839,718, A>G. VCF-style: chr5-112839718-A-G. GRCh37 (hg19) VCF-style: chr5-112175415-A-G.
Other names: c.4124A>G, p.His1375Arg (NM_001354895.2, NM_001127510.3); c.4178A>G, p.His1393Arg (NM_001354896.2); c.4154A>G, p.His1385Arg (NM_001354897.2); c.4049A>G, p.His1350Arg (NM_001354898.2); c.4040A>G, p.His1347Arg (NM_001354899.2); c.4001A>G, p.His1334Arg (NM_001354900.2); c.3947A>G, p.His1316Arg (NM_001354901.2); c.3851A>G, p.His1284Arg (NM_001354902.2); and 5 more; short protein forms H1357R, H1375R, H1316R, H1393R, H1092R, H1215R, H1347R, H1334R.
Identifiers: ClinVar variation 411418 (VCV000411418.26), dbSNP rs750884499, ClinGen allele CA037682.

ClinVar aggregate classification (germline): Conflicting classifications of pathogenicity. Review status: criteria provided, conflicting classifications (1 of 4 stars). 5 submissions from 5 submitters: Uncertain significance (3); Likely benign (2). Last evaluated 2026-02-03.

Conditions:
Hereditary cancer-predisposing syndrome. Also called: Tumor predisposition; Hereditary Cancer Syndrome; Hereditary neoplastic syndrome; Neoplastic Syndromes, Hereditary. Identifiers: Orphanet 140162, MedGen C0027672, MeSH D009386, MONDO:0015356.
Familial adenomatous polyposis 1 (FAP1). Also called: FAMILIAL ADENOMATOUS POLYPOSIS 1, ATTENUATED; POLYPOSIS, ADENOMATOUS INTESTINAL. Identifiers: MedGen C2713442, MONDO:0021056, OMIM 175100. Disease mechanism: loss of function.
Classic or attenuated familial adenomatous polyposis. Identifiers: MedGen CN372698, MONDO:0021057.

Allele frequency attached by ClinVar (database versions not stated): gnomAD exomes 0.00001 and 0.00002; ExAC 0.00002.
gnomAD v4.1: 14 of 1,614,112 alleles (0.00087%); highest among the groups gnomAD compares: Admixed American, 0.0083%; no homozygotes.

Submissions (5):

Labcorp Genetics (formerly Invitae), Labcorp
Classification: Likely benign for Familial adenomatous polyposis 1. Last evaluated: 2026-02-03. Review status: criteria provided, single submitter. Criteria: Invitae Variant Classification Sherloc (09022015). Collection method: clinical testing. Allele origin: germline.

Color Diagnostics, LLC DBA Color Health
Classification: Uncertain significance for Hereditary cancer-predisposing syndrome. Last evaluated: 2025-08-13. Review status: criteria provided, single submitter. Criteria: ACMG Guidelines, 2015. Collection method: clinical testing. Allele origin: germline.
Comment: This missense variant replaces histidine with arginine at codon 1375 of the APC protein. Computational prediction suggests that this variant may not impact protein structure and function. To our knowledge, functional studies have not been reported for this variant. This variant has not been reported in individuals affected with APC-related disorders in the literature. This variant has been identified in 5/250794 chromosomes in the general population by the Genome Aggregation Database (gnomAD). The available evidence is insufficient to determine the role of this variant in disease conclusively. Therefore, this variant is classified as a Variant of Uncertain Significance.

All of Us Research Program, National Institutes of Health
Classification: Uncertain significance for Classic or attenuated familial adenomatous polyposis. Last evaluated: 2024-05-30. Review status: criteria provided, single submitter. Criteria: ACMG Guidelines, 2015. Collection method: clinical testing. Allele origin: germline. Inheritance: Autosomal dominant inheritance. Observed: 2 variant alleles, 2 heterozygotes.
Comment: This missense variant replaces histidine with arginine at codon 1375 of the APC protein. Computational prediction suggests that this variant may not impact protein structure and function (internally defined REVEL score threshold <= 0.5, PMID: 27666373). Splice site prediction tools suggest that this variant may not impact RNA splicing. To our knowledge, functional studies have not been performed for this variant. This variant has not been reported in individuals affected with hereditary cancer in the literature. This variant has been identified in 5/250794 chromosomes in the general population by the Genome Aggregation Database (gnomAD). The available evidence is insufficient to determine the role of this variant in disease conclusively. Therefore, this variant is classified as a Variant of Uncertain Significance.

This study involves interpretation of variants in research participants for the purpose of population health screening. Participant phenotype was not available at the time of variant classification. Additional details can be found in publication PMID: 35346344, PMCID: PMC8962531

Ambry Genetics
Classification: Likely benign for Hereditary cancer-predisposing syndrome. Last evaluated: 2024-03-12. Review status: criteria provided, single submitter. Criteria: Ambry Variant Classification Scheme 2023. Collection method: clinical testing. Allele origin: germline.

GeneDx
Classification: Uncertain significance. Last evaluated: 2022-11-15. Review status: criteria provided, single submitter. Criteria: GeneDx Variant Classification Process June 2021. Collection method: clinical testing. Allele origin: germline. Affected: yes.
Comment: Not observed at significant frequency in large population cohorts (gnomAD); In silico analysis supports that this missense variant does not alter protein structure/function; Has not been previously published as a germline pathogenic or benign variant to our knowledge; This variant is associated with the following publications: (PMID: 26933808, 18199528)